The following is an entry in ClinVar:

ClinVar aggregate classification (germline): Conflicting classifications of pathogenicity. Review status: criteria provided, conflicting classifications (1 of 4 stars). 2 submissions from 2 submitters: Uncertain significance (1); Likely benign (1). Last evaluated 2023-12-04.

Conditions:
Hereditary cancer-predisposing syndrome. Also called: Neoplastic Syndromes, Hereditary; Tumor predisposition; Hereditary neoplastic syndrome; Hereditary Cancer Syndrome. Identifiers: Orphanet 140162, MedGen C0027672, MeSH D009386, MONDO:0015356.

Submissions (2):

Color Diagnostics, LLC DBA Color Health
Classification: Uncertain significance for Hereditary cancer-predisposing syndrome. Last evaluated: 2023-12-04. Review status: criteria provided, single submitter. Criteria: ACMG Guidelines, 2015. Collection method: clinical testing. Allele origin: germline.
Comment: This missense variant replaces aspartic acid with glycine at codon 1386 of the BRCA2 protein. Computational prediction suggests that this variant may not impact protein structure and function (internally defined REVEL score threshold <= 0.5, PMID: 27666373). To our knowledge, functional studies have not been reported for this variant. This variant has not been reported in individuals affected with BRCA2-related disorders in the literature. This variant has not been identified in the general population by the Genome Aggregation Database (gnomAD). The available evidence is insufficient to determine the role of this variant in disease conclusively. Therefore, this variant is classified as a Variant of Uncertain Significance.

University of Washington Department of Laboratory Medicine, University of Washington
Classification: Likely benign for Hereditary cancer-predisposing syndrome. Last evaluated: 2023-03-23. Review status: criteria provided, single submitter. Criteria: Dines et al. (Genet Med. 2020). Collection method: curation. Allele origin: germline.
Comment: Missense variant in a coldspot region where missense variants are very unlikely to be pathogenic (PMID:31911673).

BRCA2 exon 11 coldspot. Reclassification based on statistical prior probability.

NM_000059.4(BRCA2):c.4157A>G (p.Asp1386Gly)

Gene: BRCA2 (BRCA2 DNA repair associated; plus strand). Cytogenetic location: 13q13.1.
Variant type: single nucleotide variant.
Coding change: c.4157A>G on transcript NM_000059.4 (MANE Select); coding-DNA position 4157, A replaced by G.
Protein change: p.Asp1386Gly; replaces aspartic acid 1386 with glycine.
Molecular consequence: missense variant.
Genome position (GRCh38, 1-based): chr13:32,338,512, A>G. VCF-style: chr13-32338512-A-G. GRCh37 (hg19) VCF-style: chr13-32912649-A-G.
Other names: short protein forms D1386G.
Identifiers: ClinVar variation 628965 (VCV000628965.7), dbSNP rs431825316, ClinGen allele CA387780023.
Genomic context (GRCh38, chr13:32,338,512, plus strand): 5'-TTAAATTATCTGGCCAGTTTATGAAGGAGGGAAACACTCAGATTAAAGAAGATTTGTCAG[A>G]TTTAACTTTTTTGGAAGTTGCGAAAGCTCAAGAAGCATGTCATGGTAATACTTCAAATAA-3'
Protein context (NP_000050.3, residues 1376-1396): GNTQIKEDLS[Asp1386Gly]LTFLEVAKAQ